The following is an entry in ClinVar:

ClinVar aggregate classification (germline): Uncertain significance. Review status: criteria provided, multiple submitters, no conflicts (2 of 4 stars). 3 submissions from 3 submitters: Uncertain significance (2). 1 of the submissions does not count toward it. Last evaluated 2023-12-04.

Conditions:
RIT1-related disorder. Also called: RIT1-related condition.
Noonan syndrome 8 (NS8). Identifiers: Orphanet 648, MedGen C3809233, MONDO:0014143, OMIM 615355.
Noonan syndrome and Noonan-related syndrome. Identifiers: Orphanet 98733, MedGen C5681679, MONDO:0020297.

Submissions (3):

Labcorp Genetics (formerly Invitae), Labcorp
Classification: Uncertain significance for Noonan syndrome 8. Last evaluated: 2023-12-04. Review status: criteria provided, single submitter. Criteria: Invitae Variant Classification Sherloc (09022015). Collection method: clinical testing. Allele origin: germline.
Comment: This sequence change replaces threonine, which is neutral and polar, with isoleucine, which is neutral and non-polar, at codon 163 of the RIT1 protein (p.Thr163Ile). This variant is not present in population databases (gnomAD no frequency). This variant has not been reported in the literature in individuals affected with RIT1-related conditions. ClinVar contains an entry for this variant (Variation ID: 1334274). Advanced modeling of protein sequence and biophysical properties (such as structural, functional, and spatial information, amino acid conservation, physicochemical variation, residue mobility, and thermodynamic stability) performed at Invitae indicates that this missense variant is expected to disrupt RIT1 protein function with a positive predictive value of 95%. In summary, the available evidence is currently insufficient to determine the role of this variant in disease. Therefore, it has been classified as a Variant of Uncertain Significance.

Genome Diagnostics Laboratory, The Hospital for Sick Children
Classification: Uncertain significance for Noonan syndrome and Noonan-related syndrome. Last evaluated: 2021-06-21. Review status: criteria provided, single submitter. Criteria: ACMG Guidelines, 2015. Collection method: clinical testing. Allele origin: germline.

PreventionGenetics, part of Exact Sciences
Classification: Uncertain significance for RIT1-related condition. Last evaluated: 2024-01-12. Review status: no assertion criteria provided. Collection method: clinical testing. Allele origin: germline. Not counted in ClinVar's aggregate classification.
Comment: The RIT1 c.539C>T variant is predicted to result in the amino acid substitution p.Thr180Ile. To our knowledge, this variant has not been reported in the literature or in a large population database, indicating this variant is rare. At this time, the clinical significance of this variant is uncertain due to the absence of conclusive functional and genetic evidence.

NM_006912.6(RIT1):c.488C>T (p.Thr163Ile)

Gene: RIT1 (Ras like without CAAX 1; minus strand). Cytogenetic location: 1q22.
Variant type: single nucleotide variant.
Coding change: c.488C>T on transcript NM_006912.6 (MANE Select); coding-DNA position 488, C replaced by T.
Protein change: p.Thr163Ile; replaces threonine 163 with isoleucine.
Molecular consequence: missense variant.
Genome position (GRCh38, 1-based): chr1:155,900,560, G>A on the plus strand (C>T on the coding strand, the complement: RIT1 is on the minus strand). VCF-style: chr1-155900560-G-A. GRCh37 (hg19) VCF-style: chr1-155870351-G-A.
Other names: c.380C>T, p.Thr127Ile (NM_001256820.2); c.539C>T, p.Thr180Ile (NM_001256821.2); c.539C>T (NM_001256821.1); short protein forms T127I, T163I, T180I.
Identifiers: ClinVar variation 1334274 (VCV001334274.8), dbSNP rs2102581107, ClinGen allele CA342801494.
Genomic context (GRCh38, chr1:155,900,560, plus strand): 5'-CGTATCTCCCGTACAAGGGCATGGAAAACATCATCAATATAGTAGCGGTATGCAGCAGAT[G>A]TCTCAAAAAAGGGACAGCTGAATTCTCGGGCCAAGGCCAATCCTTCTTCCTTGGTGACCT-3'
Protein context (NP_008843.1, residues 153-173): AREFSCPFFE[Thr163Ile]SAAYRYYIDD